The following is an entry in ClinVar:

NM_002246.3(KCNK3):c.486C>T (p.Ile162=)

Gene: KCNK3 (potassium two pore domain channel subfamily K member 3; plus strand). Cytogenetic location: 2p23.3.
Variant type: single nucleotide variant.
Coding change: c.486C>T on transcript NM_002246.3 (MANE Select); coding-DNA position 486, C replaced by T.
Protein change: p.Ile162=; no amino-acid change (isoleucine 162 retained).
Molecular consequence: synonymous variant.
Genome position (GRCh38, 1-based): chr2:26,727,869, C>T. VCF-style: chr2-26727869-C-T. GRCh37 (hg19) VCF-style: chr2-26950737-C-T.
Identifiers: ClinVar variation 1084756 (VCV001084756.16), dbSNP rs540879740, ClinGen allele CA1565508.

ClinVar aggregate classification (germline): Likely benign. Review status: criteria provided, multiple submitters, no conflicts (2 of 4 stars). 3 submissions from 3 submitters: Likely benign (3). Last evaluated 2026-01-12.

Conditions:
Pulmonary hypertension, primary, 4. Identifiers: Orphanet 422, MedGen C3809198, MONDO:0014136, OMIM 615344.

Allele frequency attached by ClinVar (database versions not stated): gnomAD exomes 0.00001 and 0.00004; ExAC 0.00005; gnomAD 0.00008 and 0.00009; TOPMed 0.00013; 1000 Genomes Project 30x 0.00016; 1000 Genomes Project 0.00020.
gnomAD v4.1: 26 of 1,614,166 alleles (0.0016%); highest among the groups gnomAD compares: African/African-American, 0.031%; no homozygotes.

Submissions (3):

Labcorp Genetics (formerly Invitae), Labcorp
Classification: Likely benign for Pulmonary hypertension, primary, 4. Last evaluated: 2026-01-12. Review status: criteria provided, single submitter. Criteria: Invitae Variant Classification Sherloc (09022015). Collection method: clinical testing. Allele origin: germline.

CeGaT Center for Human Genetics Tuebingen
Classification: Likely benign. Last evaluated: 2025-11-01. Review status: criteria provided, single submitter. Criteria: CeGaT Center For Human Genetics Tuebingen Variant Classification Criteria Version 2. Collection method: clinical testing. Allele origin: germline. Affected: yes. Observed: 1 variant allele.
Comment: KCNK3: BP4

Fulgent Genetics
Classification: Likely benign for Pulmonary hypertension, primary, 4. Last evaluated: 2021-12-09. Review status: criteria provided, single submitter. Criteria: ACMG Guidelines, 2015. Collection method: clinical testing. Allele origin: unknown.